The following is an entry in ClinVar:

ClinVar aggregate classification (germline): Conflicting classifications of pathogenicity. Review status: criteria provided, conflicting classifications (1 of 4 stars). 4 submissions from 4 submitters: Likely pathogenic (2); Uncertain significance (2). Last evaluated 2026-02-10.

Conditions:
DDX11-related disorders.
Warsaw breakage syndrome (WABS). Also called: DDX11-Related Cohesinopathy. Identifiers: Orphanet 280558, MedGen C3150658, MONDO:0013252, OMIM 613398.

Allele frequency attached by ClinVar (database versions not stated): gnomAD 0.00013; TOPMed 0.00014; ESP Exome Variant Server 0.00038.
gnomAD v4.1: 343 of 1,612,322 alleles (0.021%); highest among the groups gnomAD compares: Non-Finnish European, 0.027%; no homozygotes.

Submissions (5):

GeneDx
Classification: Likely pathogenic. Last evaluated: 2026-02-10. Review status: criteria provided, single submitter. Criteria: GeneDx Variant Classification Process June 2021. Collection method: clinical testing. Allele origin: germline. Affected: yes.
Comment: In silico analysis supports that this missense variant has a deleterious effect on protein structure/function; This variant is associated with the following publications: (PMID: 33669056, 31824187, 31275557, 36703504, 30216658)

Blueprint Genetics
Classification: Likely pathogenic for DDX11-related disorders. Last evaluated: 2024-07-23. Review status: criteria provided, single submitter. Criteria: ACMG Guidelines, 2015. Collection method: clinical testing. Allele origin: germline. Affected: yes. Observed: 5 variant alleles.

Genomic Medicine Center of Excellence, King Faisal Specialist Hospital and Research Centre
Classification: Uncertain significance for Warsaw breakage syndrome. Last evaluated: 2024-03-29. Review status: criteria provided, single submitter. Criteria: ACMG Guidelines, 2015. Collection method: clinical testing. Allele origin: germline.

Women's Health and Genetics/Laboratory Corporation of America, LabCorp
Classification: Uncertain significance. Last evaluated: 2023-07-07. Review status: criteria provided, single submitter. Criteria: LabCorp Variant Classification Summary - May 2015. Collection method: clinical testing. Allele origin: germline.
Comment: Variant summary: DDX11 c.2372G>A (p.Arg791Gln) results in a conservative amino acid change located in the ATP-dependent helicase, C-terminal domain (IPR006555) of the encoded protein sequence. Four of five in-silico tools predict a damaging effect of the variant on protein function. Several computational tools predict a significant impact on normal splicing: Three predict the variant weakens a canonical 5' donor site and one predicts the variant strengthens a cryptic 5' donor site. However, these predictions have yet to be confirmed by functional studies. The variant allele was found at a frequency of 0.00015 in 282168 control chromosomes (gnomAD). c.2372G>A has been reported in the literature in at least one compound heterozygous individual affected with Warsaw Breakage Syndrome (Alkhunaizi_2018). These data do not allow any conclusion about variant significance. To our knowledge, no experimental evidence demonstrating an impact on protein function has been reported. The following publication have been ascertained in the context of this evaluation (PMID: 30216658). One ClinVar submitter has assessed the variant since 2014, and classified the variant as uncertain significance. Based on the evidence outlined above, the variant was classified as uncertain significance.

Dr. Peter K. Rogan Lab, Western University
No classification provided (evidence only). Condition: Familial cancer of breast. Review status: no classification provided. Collection method: in vitro. Allele origin: not applicable. Functional consequence: retained intron. Not counted in ClinVar's aggregate classification.

Literature cited by the submitters: PubMed 30216658 (cited by Women's Health and Genetics/Laboratory Corporation of America, LabCorp).

NM_030653.4(DDX11):c.2372G>A (p.Arg791Gln)

Gene: DDX11 (DEAD/H-box helicase 11; plus strand). Cytogenetic location: 12p11.21.
Variant type: single nucleotide variant.
Coding change: c.2372G>A on transcript NM_030653.4 (MANE Select); coding-DNA position 2372, G replaced by A.
Protein change: p.Arg791Gln; replaces arginine 791 with glutamine.
Molecular consequence: missense variant.
Genome position (GRCh38, 1-based): chr12:31,102,527, G>A. VCF-style: chr12-31102527-G-A. GRCh37 (hg19) VCF-style: chr12-31255461-G-A.
Other names: NC_000012.11:g.31255461G>A; c.2372G>A, p.Arg791Gln (NM_001257144.2, NM_152438.2); c.2294G>A, p.Arg765Gln (NM_001257145.2); c.2222G>A, p.Arg741Gln (NM_004399.3); short protein forms R741Q, R765Q, R791Q.
Identifiers: ClinVar variation 1711986 (VCV001711986.7), dbSNP rs147656831, ClinGen allele CA6501773.